The following is an entry in ClinVar:

ClinVar aggregate classification (germline): Uncertain significance (1 of 4 stars; one submission).

Conditions:
ZMIZ1-related disorder. Also called: ZMIZ1-related condition.

gnomAD v4.1: 1 of 1,614,230 alleles (0.000062%); highest among the groups gnomAD compares: East Asian, 0.0022%; no homozygotes.

Submission:

PreventionGenetics, part of Exact Sciences
Classification: Uncertain significance for ZMIZ1-related condition. Last evaluated: 2026-08-03. Review status: criteria provided, single submitter. Criteria: ACMG Guidelines, 2015. Collection method: clinical testing. Allele origin: germline.
Comment: The ZMIZ1 c.3100C>T variant is predicted to result in the amino acid substitution p.Leu1034Phe. To our knowledge, this variant has not been reported in the literature or in a large population database (gnomAD), indicating this variant is rare. At this time, the clinical significance of this variant is uncertain due to the absence of conclusive functional and genetic evidence.

NM_020338.4(ZMIZ1):c.3100C>T (p.Leu1034Phe)

Gene: ZMIZ1 (zinc finger MIZ-type containing 1; plus strand). Cytogenetic location: 10q22.3.
Variant type: single nucleotide variant.
Coding change: c.3100C>T on transcript NM_020338.4 (MANE Select); coding-DNA position 3100, C replaced by T.
Protein change: p.Leu1034Phe; replaces leucine 1034 with phenylalanine.
Molecular consequence: missense variant.
Genome position (GRCh38, 1-based): chr10:79,312,645, C>T. VCF-style: chr10-79312645-C-T. GRCh37 (hg19) VCF-style: chr10-81072402-C-T.
Other names: short protein forms L1034F.
Identifiers: ClinVar variation 4992948 (VCV004992948.1).